The following is an entry in ClinVar:

ClinVar aggregate classification (germline): Conflicting classifications of pathogenicity. Review status: criteria provided, conflicting classifications (1 of 4 stars). 7 submissions from 7 submitters: Uncertain significance (6); Likely benign (1). Last evaluated 2025-10-01.

Conditions:
Inborn genetic diseases. Identifiers: MedGen C0950123, MeSH D030342.
Hereditary cancer-predisposing syndrome. Also called: Hereditary Cancer Syndrome; Tumor predisposition; Neoplastic Syndromes, Hereditary; Hereditary neoplastic syndrome. Identifiers: Orphanet 140162, MedGen C0027672, MeSH D009386, MONDO:0015356.
Deafness-lymphedema-leukemia syndrome. Also called: Emberger syndrome; Lymphedema, primary, with myelodysplasia. Identifiers: Orphanet 3226, MedGen C3279664, MONDO:0013540, OMIM 614038.
Monocytopenia with susceptibility to infections. Also called: MONOCYTOPENIA AND MYCOBACTERIAL INFECTION SYNDROME; MONOCYTOPENIA WITH SUSCEPTIBILITY TO MYCOBACTERIAL, FUNGAL, AND PAPILLOMAVIRUS INFECTIONS AND MYELODYSPLASIA; COMBINED IMMUNODEFICIENCY WITH SUSCEPTIBILITY TO MYCOBACTERIAL, VIRAL, AND FUNGAL INFECTIONS; Dendritic cell, monocyte, B lymphocyte, and natural killer lymphocyte deficiency; IMMUNODEFICIENCY 21; GATA2 DEFICIENCY. Identifiers: Orphanet 228423, MedGen C3280030, MONDO:0013607, OMIM 614172.
Acute myeloid leukemia (AML). Also called: Leukemia, acute myeloid, somatic; Leukemia, acute myelogenous, somatic; Acute myeloid leukemia, adult; AML adult; Acute non-lymphocytic leukemia; Acute granulocytic leukemia. Identifiers: Orphanet 519, MedGen C0023467, MeSH D015470, MONDO:0018874, OMIM 601626, HP:0004808. Disease mechanism: Constitutively activated FLT3.

Allele frequency attached by ClinVar (database versions not stated): ExAC 0.00002; gnomAD exomes 0.00002; gnomAD 0.00007; TOPMed 0.00007; ESP Exome Variant Server 0.00008.

Submissions (7):

Labcorp Genetics (formerly Invitae), Labcorp
Classification: Uncertain significance for Monocytopenia with susceptibility to infections; Deafness-lymphedema-leukemia syndrome. Last evaluated: 2025-10-01. Review status: criteria provided, single submitter. Criteria: Invitae Variant Classification Sherloc (09022015). Collection method: clinical testing. Allele origin: germline.
Comment: This sequence change replaces proline, which is neutral and non-polar, with leucine, which is neutral and non-polar, at codon 456 of the GATA2 protein (p.Pro456Leu). This variant is present in population databases (rs372912472, gnomAD 0.01%). This variant has not been reported in the literature in individuals affected with GATA2-related conditions. ClinVar contains an entry for this variant (Variation ID: 404068). Invitae Evidence Modeling of protein sequence and biophysical properties (such as structural, functional, and spatial information, amino acid conservation, physicochemical variation, residue mobility, and thermodynamic stability) indicates that this missense variant is expected to disrupt GATA2 protein function with a positive predictive value of 95%. In summary, the available evidence is currently insufficient to determine the role of this variant in disease. Therefore, it has been classified as a Variant of Uncertain Significance.

Ambry Genetics
Classification: Likely benign for Inborn genetic diseases. Last evaluated: 2024-07-19. Review status: criteria provided, single submitter. Criteria: Ambry Variant Classification Scheme 2023. Collection method: clinical testing. Allele origin: germline.

GeneDx
Classification: Uncertain significance. Last evaluated: 2023-09-19. Review status: criteria provided, single submitter. Criteria: GeneDx Variant Classification Process June 2021. Collection method: clinical testing. Allele origin: germline. Affected: yes.
Comment: Not observed at significant frequency in large population cohorts (gnomAD); In silico analysis supports that this missense variant has a deleterious effect on protein structure/function; Has not been previously published as pathogenic or benign to our knowledge

Baylor Genetics
Classification: Uncertain significance for Acute myeloid leukemia. Last evaluated: 2023-09-13. Review status: criteria provided, single submitter. Criteria: ACMG Guidelines, 2015. Collection method: clinical testing. Allele origin: unknown.

Blueprint Genetics
Classification: Uncertain significance. Last evaluated: 2023-05-08. Review status: criteria provided, single submitter. Criteria: ACMG Guidelines, 2015. Collection method: clinical testing. Allele origin: germline.

Sema4
Classification: Uncertain significance for Hereditary cancer-predisposing syndrome. Last evaluated: 2022-02-25. Review status: criteria provided, single submitter. Criteria: Sema4 Curation Guidelines. Collection method: curation. Allele origin: germline.
Comment: To the best of our knowledge, the GATA2 c.1367C>T (p.P456L) variant has not been reported in individuals with GATA2-related disease. This variant was observed in 2/16208 chromosomes in the African/African American population according to the Genome Aggregation Database (PMID: 32461654). The variant has been reported in ClinVar (Variation ID: 404068). In silico tools suggest the impact of the variant on protein function is deleterious, though these predictions have not been confirmed by functional studies. The evidence is insufficient to meet ACMG/AMP criteria for classifying the variant as benign or pathogenic. Thus, the clinical significance of this variant is currently uncertain.

Genetic Services Laboratory, University of Chicago
Classification: Uncertain significance. Last evaluated: 2020-03-23. Review status: criteria provided, single submitter. Criteria: ACMG Guidelines, 2015. Collection method: clinical testing. Allele origin: germline. Affected: no.
Comment: DNA sequence analysis of the GATA2 gene demonstrated a sequence change, c.1367C>T, in exon 6 that results in an amino acid change, p.Pro456Leu. This sequence change does not appear to have been previously described in patients with GATA2-related disorders and has been described in the gnomAD database with an overall low population frequency of 0.0020% (dbSNP rs372912472). The p.Pro456Leu change affects a highly conserved amino acid residue located in a domain of the GATA2 protein that is known to be functional. In-silico pathogenicity prediction tools (SIFT, PolyPhen2, Align GVGD, REVEL) provide contradictory results for the p.Pro456Leu substitution. Due to these contrasting evidences and the lack of functional studies, the clinical significance of the p.Pro456Leu change remains unknown at this time.

NM_032638.5(GATA2):c.1367C>T (p.Pro456Leu)

Gene: GATA2 (GATA binding protein 2; minus strand). Cytogenetic location: 3q21.3.
Variant type: single nucleotide variant.
Coding change: c.1367C>T on transcript NM_032638.5 (MANE Select); coding-DNA position 1367, C replaced by T.
Protein change: p.Pro456Leu; replaces proline 456 with leucine.
Molecular consequence: missense variant.
Genome position (GRCh38, 1-based): chr3:128,481,095, G>A on the plus strand (C>T on the coding strand, the complement: GATA2 is on the minus strand). VCF-style: chr3-128481095-G-A. GRCh37 (hg19) VCF-style: chr3-128199938-G-A.
Other names: c.1367C>T, p.Pro456Leu (NM_001145661.2); c.1325C>T, p.Pro442Leu (NM_001145662.1); short protein forms P456L, P442L.
Identifiers: ClinVar variation 404068 (VCV000404068.18), dbSNP rs372912472, ClinGen allele CA2599789.